The following is an entry in ClinVar:

ClinVar aggregate classification (germline): Conflicting classifications of pathogenicity. Review status: criteria provided, conflicting classifications (1 of 4 stars). 4 submissions from 4 submitters: Uncertain significance (1); Likely benign (3). Last evaluated 2025-10-01.

Conditions:
GATA2 deficiency with susceptibility to MDS/AML. Identifiers: MedGen CN300066, MONDO:0042982.
Deafness-lymphedema-leukemia syndrome. Also called: Emberger syndrome; Lymphedema, primary, with myelodysplasia. Identifiers: Orphanet 3226, MedGen C3279664, MONDO:0013540, OMIM 614038.
Monocytopenia with susceptibility to infections. Also called: IMMUNODEFICIENCY 21; GATA2 DEFICIENCY; MONOCYTOPENIA AND MYCOBACTERIAL INFECTION SYNDROME; MONOCYTOPENIA WITH SUSCEPTIBILITY TO MYCOBACTERIAL, FUNGAL, AND PAPILLOMAVIRUS INFECTIONS AND MYELODYSPLASIA; COMBINED IMMUNODEFICIENCY WITH SUSCEPTIBILITY TO MYCOBACTERIAL, VIRAL, AND FUNGAL INFECTIONS; Dendritic cell, monocyte, B lymphocyte, and natural killer lymphocyte deficiency. Identifiers: Orphanet 228423, MedGen C3280030, MONDO:0013607, OMIM 614172.
Hereditary cancer-predisposing syndrome. Also called: Neoplastic Syndromes, Hereditary; Hereditary neoplastic syndrome; Hereditary Cancer Syndrome; Tumor predisposition. Identifiers: Orphanet 140162, MedGen C0027672, MeSH D009386, MONDO:0015356.

Allele frequency attached by ClinVar (database versions not stated): gnomAD 0.00002 and 0.00003; gnomAD exomes 0.00003 and 0.00005; TOPMed 0.00003; ExAC 0.00004; 1000 Genomes Project 0.00040; 1000 Genomes Project 30x 0.00047.

Submissions (4):

Labcorp Genetics (formerly Invitae), Labcorp
Classification: Likely benign for Monocytopenia with susceptibility to infections; Deafness-lymphedema-leukemia syndrome. Last evaluated: 2025-10-01. Review status: criteria provided, single submitter. Criteria: Invitae Variant Classification Sherloc (09022015). Collection method: clinical testing. Allele origin: germline.

Blueprint Genetics
Classification: Likely benign. Last evaluated: 2024-08-30. Review status: criteria provided, single submitter. Criteria: ACMG Guidelines, 2015. Collection method: clinical testing. Allele origin: germline.

Molecular Pathology Research Laboratory, SA Pathology
Classification: Uncertain significance for GATA2 deficiency with susceptibility to MDS/AML; Deafness-lymphedema-leukemia syndrome. Last evaluated: 2021-07-06. Review status: criteria provided, single submitter. Criteria: ACMG Guidelines, 2015. Collection method: curation. Allele origin: unknown. Inheritance: Autosomal dominant inheritance. Affected: yes. Observed: 1 variant allele.
Comment: No criteria satisfied

Sema4
Classification: Likely benign for Hereditary cancer-predisposing syndrome. Last evaluated: 2021-03-10. Review status: criteria provided, single submitter. Criteria: Sema4 Curation Guidelines. Collection method: curation. Allele origin: germline.

Literature cited by the submitters: PubMed 33715335 (cited by Molecular Pathology Research Laboratory, SA Pathology).

NM_032638.5(GATA2):c.1143+8C>T

Gene: GATA2 (GATA binding protein 2; minus strand). Cytogenetic location: 3q21.3.
Variant type: single nucleotide variant.
Coding change: c.1143+8C>T on transcript NM_032638.5 (MANE Select); 8 bases into the intron after coding-DNA position 1143, C replaced by T.
Molecular consequence: intron variant.
Genome position (GRCh38, 1-based): chr3:128,481,811, G>A on the plus strand (C>T on the coding strand, the complement: GATA2 is on the minus strand). VCF-style: chr3-128481811-G-A. GRCh37 (hg19) VCF-style: chr3-128200654-G-A.
Other names: c.1101+8C>T (NM_001145662.1); c.1143+8C>T (NM_001145661.2).
Identifiers: ClinVar variation 700890 (VCV000700890.14), dbSNP rs555534597, ClinGen allele CA2599862.